The following is an entry in ClinVar:

ClinVar aggregate classification (germline): Uncertain significance (1 of 4 stars; one submission).

Submission:

GeneDx
Classification: Uncertain significance. Last evaluated: 2025-07-15. Review status: criteria provided, single submitter. Criteria: GeneDx Variant Classification Process June 2021. Collection method: clinical testing. Allele origin: germline. Affected: yes.
Comment: Not observed at significant frequency in large population cohorts (gnomAD); In silico analysis supports that this missense variant has a deleterious effect on protein structure/function; Has not been previously published as pathogenic or benign to our knowledge

NM_002397.5(MEF2C):c.126G>C (p.Glu42Asp)

Gene: MEF2C (myocyte enhancer factor 2C; minus strand). Cytogenetic location: 5q14.3.
Variant type: single nucleotide variant.
Coding change: c.126G>C on transcript NM_002397.5 (MANE Select); coding-DNA position 126, G replaced by C.
Protein change: p.Glu42Asp; replaces glutamic acid 42 with aspartic acid.
Molecular consequence: missense variant.
Genome position (GRCh38, 1-based): chr5:88,804,730, C>G on the plus strand (G>C on the coding strand, the complement: MEF2C is on the minus strand). VCF-style: chr5-88804730-C-G. GRCh37 (hg19) VCF-style: chr5-88100547-C-G.
Other names: c.126G>C, p.Glu42Asp (NM_001131005.2, NM_001193347.1, NM_001193348.1 and 29 more transcripts); short protein forms E42D.
Identifiers: ClinVar variation 1302536 (VCV001302536.3), dbSNP rs2153074530, ClinGen allele CA360425066.